The following is an entry in ClinVar:

NM_025219.3(DNAJC5):c.*2878T>C

Gene: DNAJC5 (DnaJ heat shock protein family (Hsp40) member C5; plus strand). Cytogenetic location: 20q13.33.
Variant type: single nucleotide variant.
Coding change: c.*2878T>C on transcript NM_025219.3 (MANE Select); 2878 bases downstream of the stop codon, T replaced by C.
Molecular consequence: 3 prime UTR variant.
Genome position (GRCh38, 1-based): chr20:63,934,446, T>C. VCF-style: chr20-63934446-T-C. GRCh37 (hg19) VCF-style: chr20-62565799-T-C.
Identifiers: ClinVar variation 339414 (VCV000339414.6), dbSNP rs749724, ClinGen allele CA10644410.

ClinVar aggregate classification (germline): Benign (1 of 4 stars; one submission).

Conditions:
Ceroid lipofuscinosis, neuronal, 4 (Kufs type) (CLN4). Also called: Neuronal ceroid lipofuscinosis 4B; Ceroid lipofuscinosis, neuronal, 4, Parry type. Identifiers: Orphanet 228343, Orphanet 79262, MedGen C1834207, MONDO:0008083, OMIM 162350.

Allele frequency attached by ClinVar (database versions not stated): gnomAD 0.00565 and 0.00595; TOPMed 0.00879; 1000 Genomes Project 0.01218; 1000 Genomes Project 30x 0.01374; gnomAD exomes 0.01471.
gnomAD v4.1: 901 of 152,404 alleles (0.59%); highest among the groups gnomAD compares: Admixed American, 5.1%; 30 homozygotes.

Submission:

Illumina Laboratory Services, Illumina
Classification: Benign for Ceroid lipofuscinosis, neuronal, 4 (Kufs type). Last evaluated: 2018-01-12. Review status: criteria provided, single submitter. Criteria: ICSL Variant Classification Criteria 13 December 2019. Collection method: clinical testing. Allele origin: germline.
Comment: This variant was observed in the ICSL laboratory as part of a predisposition screen in an ostensibly healthy population. It had not been previously curated by ICSL or reported in the Human Gene Mutation Database (HGMD: prior to June 1st, 2018), and was therefore a candidate for classification through an automated scoring system. Utilizing variant allele frequency, disease prevalence and penetrance estimates, and inheritance mode, an automated score was calculated to assess if this variant is too frequent to cause the disease. Based on the score and internal cut-off values, a variant classified as benign is not then subjected to further curation. The score for this variant resulted in a classification of benign for this disease.